The following is an entry in ClinVar:

NM_001197104.2(KMT2A):c.2317C>T (p.Pro773Ser)

Gene: KMT2A (lysine methyltransferase 2A; plus strand). Cytogenetic location: 11q23.3.
Variant type: single nucleotide variant.
Coding change: c.2317C>T on transcript NM_001197104.2 (MANE Select); coding-DNA position 2317, C replaced by T.
Protein change: p.Pro773Ser; replaces proline 773 with serine.
Molecular consequence: missense variant.
Genome position (GRCh38, 1-based): chr11:118,473,476, C>T. VCF-style: chr11-118473476-C-T. GRCh37 (hg19) VCF-style: chr11-118344191-C-T.
Other names: c.2416C>T, p.Pro806Ser (NM_001412597.1); c.2317C>T, p.Pro773Ser (NM_005933.4); short protein forms P773S, P806S.
Identifiers: ClinVar variation 3376402 (VCV003376402.2).
Genomic context (GRCh38, chr11:118,473,476, plus strand): 5'-CACTCCATGAGGACAAGAAGTGGAAGGCTTAGTAGTTCTGAGCTCTCACCTCTCACCCCC[C>T]CGTCTTCTGTCTCTTCCTCGTTAAGCATTTCTGTTAGTCCTCTTGCCACTAGTGCCTTAA-3'
Protein context (NP_001184033.1, residues 763-783): SSSELSPLTP[Pro773Ser]SSVSSSLSIS

ClinVar aggregate classification (germline): Uncertain significance. Review status: criteria provided, multiple submitters, no conflicts (2 of 4 stars). 2 submissions from 2 submitters: Uncertain significance (2). Last evaluated 2024-08-14.

Conditions:
Wiedemann-Steiner syndrome (WDSTS). Also called: Growth deficiency and mental retardation with facial dysmorphism. Identifiers: Orphanet 319182, MedGen C1854630, MONDO:0011518, OMIM 605130.

gnomAD v4.1: 3 of 1,614,080 alleles (0.00019%); highest among the groups gnomAD compares: Non-Finnish European, 0.00025%; no homozygotes.

Submissions (2):

Pittsburgh Clinical Genomics Laboratory, University of Pittsburgh Medical Center
Classification: Uncertain significance for Wiedemann-Steiner syndrome. Last evaluated: 2024-08-14. Review status: criteria provided, single submitter. Criteria: ACMG Guidelines, 2015. Collection method: clinical testing. Allele origin: germline. Inheritance: Autosomal dominant inheritance. Affected: yes.
Comment: This sequence variant is a single nucleotide substitution (C>T) at position 2317 of the coding sequence of the KMT2A gene that results in a proline to serine amino acid change at residue 773 of the lysine methyltransferase 2A protein. This variant is absent from ClinVar but is present in 1 of 152192 alleles (0.0007%) in the gnomAD population dataset. To our knowledge, this variant has not been observed in an individual affected by a KMT2A-related disorder in the published literature. Multiple bioinformatic tools provide conflicting predictions concerning the impact of this amino acid change, and the Pro773 residue at this position is moderately conserved across the vertebrate species examined. Studies examining the functional consequence of this variant have not been published, to our knowledge. At this time, there is insufficient evidence to determine if this variant is pathogenic or benign. Therefore, we consider this a variant of uncertain significance. ACMG Criteria: PM2

Blueprint Genetics
Classification: Uncertain significance. Last evaluated: 2021-01-12. Review status: criteria provided, single submitter. Criteria: ACMG Guidelines, 2015. Collection method: clinical testing. Allele origin: germline.